The following is an entry in ClinVar:

NM_000321.3(RB1):c.-151G>A

Gene: RB1 (RB transcriptional corepressor 1; plus strand). Cytogenetic location: 13q14.2.
Variant type: single nucleotide variant.
Coding change: c.-151G>A on transcript NM_000321.3 (MANE Select); 151 bases upstream of the start codon, G replaced by A.
Molecular consequence: 5 prime UTR variant.
Genome position (GRCh38, 1-based): chr13:48,303,762, G>A. VCF-style: chr13-48303762-G-A. GRCh37 (hg19) VCF-style: chr13-48877898-G-A.
Other names: c.-151G>A (NM_001407165.1, NM_001407166.1, NM_001407167.1).
Identifiers: ClinVar variation 3364065 (VCV003364065.3).

ClinVar aggregate classification (germline): Uncertain significance. Review status: criteria provided, multiple submitters, no conflicts (2 of 4 stars). 2 submissions from 2 submitters: Uncertain significance (2). Last evaluated 2025-09-24.

Conditions:
Retinoblastoma (RB1). Also called: RETINOBLASTOMA, SOMATIC. Identifiers: Orphanet 790, MedGen C0035335, MeSH D012175, MONDO:0008380, OMIM 180200, HP:0009919. Disease mechanism: loss of function. Inheritance: Both sporadic and heritable forms are tested..

gnomAD v4.1: 11 of 1,223,032 alleles (0.0009%); highest among the groups gnomAD compares: African/African-American, 0.0032%; no homozygotes.

Submissions (2):

Labcorp Genetics (formerly Invitae), Labcorp
Classification: Uncertain significance for Retinoblastoma. Last evaluated: 2025-09-24. Review status: criteria provided, single submitter. Criteria: Invitae Variant Classification Sherloc (09022015). Collection method: clinical testing. Allele origin: germline.
Comment: This variant occurs in a non-coding region of the RB1 gene. It does not change the encoded amino acid sequence of the RB1 protein. This variant is not present in population databases (gnomAD no frequency). This variant has not been reported in the literature in individuals affected with RB1-related conditions. ClinVar contains an entry for this variant (Variation ID: 3364065). In summary, the available evidence is currently insufficient to determine the role of this variant in disease. Therefore, it has been classified as a Variant of Uncertain Significance.

GeneDx
Classification: Uncertain significance. Last evaluated: 2023-11-09. Review status: criteria provided, single submitter. Criteria: GeneDx Variant Classification Process June 2021. Collection method: clinical testing. Allele origin: germline. Affected: yes.
Comment: Has not been previously published as pathogenic or benign to our knowledge; No data available from control populations to assess the frequency of this variant